The following is an entry in ClinVar:

NM_000226.4(KRT9):c.1634G>A (p.Gly545Glu)

Gene: KRT9 (keratin 9; minus strand). Cytogenetic location: 17q21.2.
Variant type: single nucleotide variant.
Coding change: c.1634G>A on transcript NM_000226.4 (MANE Select); coding-DNA position 1634, G replaced by A.
Protein change: p.Gly545Glu; replaces glycine 545 with glutamic acid.
Molecular consequence: missense variant.
Genome position (GRCh38, 1-based): chr17:41,567,511, C>T on the plus strand (G>A on the coding strand, the complement: KRT9 is on the minus strand). VCF-style: chr17-41567511-C-T. GRCh37 (hg19) VCF-style: chr17-39723763-C-T.
Other names: c.1634G>A (NM_000226.3); short protein forms G545E.
Identifiers: ClinVar variation 2041919 (VCV002041919.5), dbSNP rs373214503, ClinGen allele CA8561898.
Genomic context (GRCh38, chr17:41,567,511, plus strand): 5'-CCAGAGCCACTTCCTCCTCCATAGTTGCCCCCACTTCCTCCACTATGACCACCTCCACTT[C>T]CTCCGCTATGGCCACCTCCACTTCCTCCACCATAGCCACCTCCACTACCTCCTCCAGAAC-3'
Protein context (NP_000217.2, residues 535-555): GGGSGGGHSG[Gly545Glu]SGGGHSGGSG

ClinVar aggregate classification (germline): Likely benign. Review status: criteria provided, multiple submitters, no conflicts (2 of 4 stars). 2 submissions from 2 submitters: Likely benign (2). Last evaluated 2026-06-29.

Conditions:
KRT9-related disorder. Also called: KRT9-related condition.

Allele frequency attached by ClinVar (database versions not stated): gnomAD exomes 0.00002; ExAC 0.00013; gnomAD 0.00024; ESP Exome Variant Server 0.00032.
gnomAD v4.1: 64 of 1,551,332 alleles (0.0041%); highest among the groups gnomAD compares: African/African-American, 0.08%; no homozygotes.

Submissions (2):

PreventionGenetics, part of Exact Sciences
Classification: Likely benign for KRT9-related condition. Last evaluated: 2026-06-29. Review status: criteria provided, single submitter. Criteria: ACMG Guidelines, 2015. Collection method: clinical testing. Allele origin: germline.
Comment: This variant is classified as likely benign based on ACMG/AMP sequence variant interpretation guidelines (Richards et al. 2015 PMID: 25741868, with internal and published modifications).

Labcorp Genetics (formerly Invitae), Labcorp
Classification: Likely benign. Last evaluated: 2022-06-01. Review status: criteria provided, single submitter. Criteria: Invitae Variant Classification Sherloc (09022015). Collection method: clinical testing. Allele origin: germline.